The following is an entry in ClinVar:

NM_000092.5(COL4A4):c.724dup (p.Met242fs)

Gene: COL4A4 (collagen type IV alpha 4 chain; minus strand). Cytogenetic location: 2q36.3.
Variant type: Duplication.
Coding change: c.724dup on transcript NM_000092.5 (MANE Select); coding-DNA position 724, one base duplicated (A; older notation c.724dupA).
Protein change: p.Met242fs; shifts the reading frame from methionine 242.
Molecular consequence: frameshift variant.
Genome position (GRCh38, 1-based): chr2:227,108,592, T duplicated on the plus strand (A on the coding strand, the reverse complement: COL4A4 is on the minus strand); the first of 3 consecutive T bases (chr2:227,108,592-227,108,594); duplicating any one gives the same sequence. VCF-style (leftmost placement, unchanged base first): chr2-227108591-A-AT. GRCh37 (hg19) VCF-style: chr2-227973307-A-AT.
Other names: short protein forms M242fs.
Identifiers: ClinVar variation 3256681 (VCV003256681.1).

ClinVar aggregate classification (germline): Pathogenic (1 of 4 stars; one submission).

Conditions:
Autosomal recessive Alport syndrome (ATS2). Also called: ALPORT SYNDROME 2, AUTOSOMAL RECESSIVE; COL4A3-Related Nephropathy; COL4A4 Alport Syndrome and Thin Basement Membrane Nephropathy; Alport syndrome type 2. Identifiers: Orphanet 63, Orphanet 88919, MedGen C4746745, MONDO:0008762, OMIM 203780.

Submission:

MVZ Medizinische Genetik Mainz
Classification: Pathogenic for Autosomal recessive Alport syndrome. Last evaluated: 2024-06-04. Review status: criteria provided, single submitter. Criteria: UK Practice Guidelines For Variant Classification V4 01 2020. Collection method: clinical testing. Allele origin: germline. Inheritance: Autosomal dominant inheritance. Affected: yes. Observed: 1 variant allele.
Comment: ACMG Criteria: PVS1,PM2_SUP,PP4